The following is an entry in ClinVar:

NM_000384.3(APOB):c.2067+1G>T

Gene: APOB (apolipoprotein B; minus strand). Cytogenetic location: 2p24.1.
Variant type: single nucleotide variant.
Coding change: c.2067+1G>T on transcript NM_000384.3 (MANE Select); the canonical splice donor site of the intron after coding-DNA position 2067, G replaced by T.
Molecular consequence: splice donor variant.
Genome position (GRCh38, 1-based): chr2:21,027,827, C>A on the plus strand (G>T on the coding strand, the complement: APOB is on the minus strand). VCF-style: chr2-21027827-C-A. GRCh37 (hg19) VCF-style: chr2-21250699-C-A.
Identifiers: ClinVar variation 2927391 (VCV002927391.3), dbSNP rs1286460200, ClinGen allele CA346013435.

ClinVar aggregate classification (germline): Pathogenic (1 of 4 stars; one submission).

Conditions:
Hypercholesterolemia, autosomal dominant, type B (FHCL2). Also called: APOB-Related Familial Hypercholesterolemia, Autosomal Dominant; Familial Hypercholesterolemia Type B; APOLIPOPROTEIN B-100, FAMILIAL DEFECTIVE; APOLIPOPROTEIN B-100, FAMILIAL LIGAND-DEFECTIVE; HYPERCHOLESTEROLEMIA, FAMILIAL, DUE TO LIGAND-DEFECTIVE APOLIPOPROTEIN B; Hyperlipoproteinemia Type IIb. Identifiers: MedGen C1704417, MONDO:0007751, OMIM 144010.
Familial hypobetalipoproteinemia 1. Also called: Hypobetalipoproteinemia, normotriglyceridemic; Acanthocytosis with hypobetalipoproteinemia; APOB-Related Familial Hypobetalipoproteinemia. Identifiers: MedGen C4551990, MONDO:0014252, OMIM 615558.

Allele frequency attached by ClinVar (database versions not stated): gnomAD exomes below 0.00001; TOPMed 0.00001.

Submission:

Labcorp Genetics (formerly Invitae), Labcorp
Classification: Pathogenic for Familial hypobetalipoproteinemia 1; Hypercholesterolemia, autosomal dominant, type B. Last evaluated: 2025-11-23. Review status: criteria provided, single submitter. Criteria: Invitae Variant Classification Sherloc (09022015). Collection method: clinical testing. Allele origin: germline.
Comment: This sequence change affects a donor splice site in intron 14 of the APOB gene. It is expected to disrupt RNA splicing. Variants that disrupt the donor or acceptor splice site typically lead to a loss of protein function (PMID: 16199547), and loss-of-function variants in APOB are known to be pathogenic (PMID: 20032471). This variant is not present in population databases (gnomAD no frequency). Disruption of this splice site has been observed in individuals with clinical features of hypobetalipoproteinemia (PMID: 31000363, 34340953). ClinVar contains an entry for this variant (Variation ID: 2927391). Algorithms developed to predict the effect of sequence changes on RNA splicing suggest that this variant may disrupt the consensus splice site. For these reasons, this variant has been classified as Pathogenic.

Literature cited by the submitters: PubMed 16199547; PubMed 20032471; PubMed 31000363; PubMed 34340953.